The following is an entry in ClinVar:

NM_172107.4(KCNQ2):c.385C>G (p.Leu129Val)

Gene: KCNQ2 (potassium voltage-gated channel subfamily Q member 2; minus strand). Cytogenetic location: 20q13.33.
Variant type: single nucleotide variant.
Coding change: c.385C>G on transcript NM_172107.4 (MANE Select); coding-DNA position 385, C replaced by G.
Protein change: p.Leu129Val; replaces leucine 129 with valine.
Molecular consequence: missense variant.
Genome position (GRCh38, 1-based): chr20:63,446,749, G>C on the plus strand (C>G on the coding strand, the complement: KCNQ2 is on the minus strand). VCF-style: chr20-63446749-G-C. GRCh37 (hg19) VCF-style: chr20-62078102-G-C.
Other names: c.385C>G, p.Leu129Val (NM_001382235.1, NM_004518.6, NM_172106.3 and 2 more transcripts); short protein forms L129V.
Identifiers: ClinVar variation 1326323 (VCV001326323.12), dbSNP rs1381622639, ClinGen allele CA409656296.

ClinVar aggregate classification (germline): Conflicting classifications of pathogenicity. Review status: criteria provided, conflicting classifications (1 of 4 stars). 2 submissions from 2 submitters: Likely pathogenic (1); Uncertain significance (1). Last evaluated 2023-08-18.

Conditions:
Early-infantile DEE. Also called: Early infantile epileptic encephalopathy; Ohtahara syndrome; Early infantile epileptic encephalopathy with suppression bursts. Identifiers: Orphanet 1934, MedGen C0393706, MONDO:0800491.
Seizures, benign familial neonatal, 1. Also called: KCNQ2-Related Benign Familial Neonatal Epilepsy; KCNQ2-Related Self-Limited Familial Neonatal Epilepsy (SLFNE); Benign Neonatal Epilepsy 1; Seizures, benign neonatal, 1. Identifiers: Orphanet 1949, MedGen C3149074, MONDO:0007365, OMIM 121200.
Developmental and epileptic encephalopathy, 7 (DEE7). Also called: KCNQ2-Related Neonatal Epileptic Encephalopathy; KCNQ2-Related Neonatal-Onset Developmental and Epileptic Encephalopathy (NEO-DEE); Early infantile epileptic encephalopathy 7. Identifiers: Orphanet 439218, MedGen C3150986, MONDO:0013387, OMIM 613720.

Submissions (2):

Labcorp Genetics (formerly Invitae), Labcorp
Classification: Uncertain significance for Early-infantile DEE. Last evaluated: 2023-08-18. Review status: criteria provided, single submitter. Criteria: Invitae Variant Classification Sherloc (09022015). Collection method: clinical testing. Allele origin: germline.
Comment: This sequence change replaces leucine, which is neutral and non-polar, with valine, which is neutral and non-polar, at codon 129 of the KCNQ2 protein (p.Leu129Val). This variant is not present in population databases (gnomAD no frequency). This variant has not been reported in the literature in individuals affected with KCNQ2-related conditions. ClinVar contains an entry for this variant (Variation ID: 1326323). An algorithm developed to predict the effect of missense changes on protein structure and function (PolyPhen-2) suggests that this variant is likely to be disruptive. In summary, the available evidence is currently insufficient to determine the role of this variant in disease. Therefore, it has been classified as a Variant of Uncertain Significance.

Center for Molecular Medicine, Children’s Hospital of Fudan University
Classification: Likely pathogenic for Seizures, benign familial neonatal, 1; Developmental and epileptic encephalopathy, 7. Last evaluated: 2021-11-01. Review status: criteria provided, single submitter. Criteria: ACMG Guidelines, 2015. Collection method: clinical testing. Allele origin: de novo. Affected: yes.